The following is an entry in ClinVar:

NM_000256.3(MYBPC3):c.3812G>A (p.Arg1271Gln)

Gene: MYBPC3 (myosin binding protein C3; minus strand). Cytogenetic location: 11p11.2.
Variant type: single nucleotide variant.
Coding change: c.3812G>A on transcript NM_000256.3 (MANE Select); coding-DNA position 3812, G replaced by A.
Protein change: p.Arg1271Gln; replaces arginine 1271 with glutamine.
Molecular consequence: missense variant.
Genome position (GRCh38, 1-based): chr11:47,332,074, C>T on the plus strand (G>A on the coding strand, the complement: MYBPC3 is on the minus strand). VCF-style: chr11-47332074-C-T. GRCh37 (hg19) VCF-style: chr11-47353625-C-T.
Other names: short protein forms R1271Q.
Identifiers: ClinVar variation 919413 (VCV000919413.26), dbSNP rs762225417, ClinGen allele CA079555.

ClinVar aggregate classification (germline): Uncertain significance. Review status: criteria provided, multiple submitters, no conflicts (2 of 4 stars). 7 submissions from 7 submitters: Uncertain significance (7). Last evaluated 2026-01-26.

Conditions:
Hypertrophic cardiomyopathy 4. Also called: Familial hypertrophic cardiomyopathy 4. Identifiers: MedGen C1861862, MONDO:0007268, OMIM 115197.
Left ventricular noncompaction 10 (LVNC10). Identifiers: Orphanet 154, Orphanet 54260, MedGen C3715165, MONDO:0014163, OMIM 615396.
Cardiomyopathy (CMYO). Also called: Cardiomyopathies. Identifiers: Orphanet 167848, MedGen C0878544, MONDO:0004994, HP:0001638. Inheritance: Various modes of inheritance.
Hypertrophic cardiomyopathy. Also called: HYPERTROPHIC MYOCARDIOPATHY. Identifiers: Orphanet 217569, MedGen C0007194, MeSH D002312, MONDO:0005045, HP:0001639.
Cardiovascular phenotype. Identifiers: MedGen CN230736.

Allele frequency attached by ClinVar (database versions not stated): ExAC 0.00001; gnomAD 0.00001; gnomAD exomes 0.00001; TOPMed 0.00003.
gnomAD v4.1: 12 of 1,607,886 alleles (0.00075%); highest among the groups gnomAD compares: African/African-American, 0.0067%; no homozygotes.

Submissions (7):

Labcorp Genetics (formerly Invitae), Labcorp
Classification: Uncertain significance for Hypertrophic cardiomyopathy. Last evaluated: 2026-01-26. Review status: criteria provided, single submitter. Criteria: Invitae Variant Classification Sherloc (09022015). Collection method: clinical testing. Allele origin: germline.
Comment: This sequence change replaces arginine, which is basic and polar, with glutamine, which is neutral and polar, at codon 1271 of the MYBPC3 protein (p.Arg1271Gln). This variant is present in population databases (rs762225417, gnomAD 0.0009%). This missense change has been observed in individual(s) with hypertrophic cardiomyopathy (PMID: 30297972). ClinVar contains an entry for this variant (Variation ID: 919413). An algorithm developed to predict the effect of missense changes on protein structure and function (PolyPhen-2) suggests that this variant is likely to be disruptive. In summary, the available evidence is currently insufficient to determine the role of this variant in disease. Therefore, it has been classified as a Variant of Uncertain Significance.

Ambry Genetics
Classification: Uncertain significance for Cardiovascular phenotype. Last evaluated: 2025-10-30. Review status: criteria provided, single submitter. Criteria: Ambry Variant Classification Scheme 2023. Collection method: clinical testing. Allele origin: germline.
Comment: The p.R1271Q variant (also known as c.3812G>A), located in coding exon 33 of the MYBPC3 gene, results from a G to A substitution at nucleotide position 3812. The arginine at codon 1271 is replaced by glutamine, an amino acid with highly similar properties. This variant was reported in individual(s) with features consistent with hypertrophic cardiomyopathy (Ho CY et al. Circulation, 2018 Oct;138:1387-1398). This amino acid position is highly conserved in available vertebrate species. In addition, the in silico prediction for this alteration is inconclusive. Based on the available evidence, the clinical significance of this variant remains unclear.

CeGaT Center for Human Genetics Tuebingen
Classification: Uncertain significance. Last evaluated: 2025-08-01. Review status: criteria provided, single submitter. Criteria: CeGaT Center For Human Genetics Tuebingen Variant Classification Criteria Version 2. Collection method: clinical testing. Allele origin: germline. Affected: yes. Observed: 1 variant allele.
Comment: MYBPC3: PM2, BP4

Color Diagnostics, LLC DBA Color Health
Classification: Uncertain significance for Cardiomyopathy. Last evaluated: 2025-07-11. Review status: criteria provided, single submitter. Criteria: ACMG Guidelines, 2015. Collection method: clinical testing. Allele origin: germline.
Comment: This missense variant replaces arginine with glutamine at codon 1271 of the MYBPC3 protein. Computational prediction suggests that this variant may not impact protein structure and function. To our knowledge, functional studies have not been reported for this variant. This variant has been reported in an individual affected with hypertrophic cardiomyopathy (PMID: 30297972, 32841044). This variant has been identified in 2/246108 chromosomes in the general population by the Genome Aggregation Database (gnomAD). The available evidence is insufficient to determine the role of this variant in disease conclusively. Therefore, this variant is classified as a Variant of Uncertain Significance.

All of Us Research Program, National Institutes of Health
Classification: Uncertain significance for Hypertrophic cardiomyopathy. Last evaluated: 2023-03-28. Review status: criteria provided, single submitter. Criteria: ACMG Guidelines, 2015. Collection method: clinical testing. Allele origin: germline. Inheritance: Autosomal dominant inheritance. Observed: 1 variant allele, 1 heterozygote.
Comment: This missense variant replaces arginine with glutamine at codon 1271 of the MYBPC3 protein. Computational prediction suggests that this variant may not impact protein structure and function (internally defined REVEL score threshold <= 0.5, PMID: 27666373). Splice site prediction tools suggest that this variant may not impact RNA splicing. To our knowledge, functional studies have not been reported for this variant. This variant has not been reported in individuals affected with cardiovascular disorders in the literature. This variant has been identified in 2/246108 chromosomes in the general population by the Genome Aggregation Database (gnomAD). The available evidence is insufficient to determine the role of this variant in disease conclusively. Therefore, this variant is classified as a Variant of Uncertain Significance.

This study involves interpretation of variants in research participants for the purpose of population health screening. Participant phenotype was not available at the time of variant classification. Additional details can be found in publication PMID: 35346344, PMCID: PMC8962531

Women's Health and Genetics/Laboratory Corporation of America, LabCorp
Classification: Uncertain significance. Last evaluated: 2022-08-29. Review status: criteria provided, single submitter. Criteria: LabCorp Variant Classification Summary - May 2015. Collection method: clinical testing. Allele origin: germline.
Comment: Variant summary: MYBPC3 c.3812G>A (p.Arg1271Gln) results in a conservative amino acid change located in the immunoglobulin subtype domain (IPR003599) of the encoded protein sequence. Three of five in-silico tools predict a damaging effect of the variant on protein function. One computational tool predicts the variant has no significant impact on splicing, while three computational tools predict the variant abolishes a cryptic exonic 5' donor site. However, these predictions have yet to be confirmed by functional studies. The variant allele was found at a frequency of 8.1e-06 in 246108 control chromosomes (gnomAD). The available data on variant occurrences in the general population are insufficient to allow any conclusion about variant significance. c.3812G>A has been reported in the literature as a VUS in at least one individual affected with Hypertrophic Cardiomyopathy (e.g. Ho_2018). This report does not provide unequivocal conclusions about association of the variant with Cardiomyopathy. To our knowledge, no experimental evidence demonstrating an impact on protein function has been reported. Two clinical diagnostic laboratories have submitted clinical-significance assessments for this variant to ClinVar after 2014 and both classified the variant as uncertain significance. Based on the evidence outlined above, the variant was classified as uncertain significance.

Fulgent Genetics
Classification: Uncertain significance for Hypertrophic cardiomyopathy 4; Left ventricular noncompaction 10. Last evaluated: 2021-09-10. Review status: criteria provided, single submitter. Criteria: ACMG Guidelines, 2015. Collection method: clinical testing. Allele origin: unknown.

Literature cited by the submitters: PubMed 30297972 (cited by 4 submitters); PubMed 32841044 (cited by Ambry Genetics and Color Diagnostics, LLC DBA Color Health).